The following is an entry in ClinVar:

ClinVar aggregate classification (germline): Uncertain significance (1 of 4 stars; one submission).

Conditions:
NTRK2-related disorder. Also called: NTRK2-related condition.

Submission:

PreventionGenetics, part of Exact Sciences
Classification: Uncertain significance for NTRK2-related condition. Last evaluated: 2026-08-19. Review status: criteria provided, single submitter. Criteria: ACMG Guidelines, 2015. Collection method: clinical testing. Allele origin: germline.
Comment: The NTRK2 c.2230A>G variant is predicted to result in the amino acid substitution p.Arg744Gly. To our knowledge, this variant has not been reported in the literature or in a large population database (gnomAD), indicating this variant is rare. At this time, the clinical significance of this variant is uncertain due to the absence of conclusive functional and genetic evidence.

NM_006180.6(NTRK2):c.2230A>G (p.Arg744Gly)

Gene: NTRK2 (neurotrophic receptor tyrosine kinase 2; plus strand). Cytogenetic location: 9q21.33.
Variant type: single nucleotide variant.
Coding change: c.2230A>G on transcript NM_006180.6 (MANE Select); coding-DNA position 2230, A replaced by G.
Protein change: p.Arg744Gly; replaces arginine 744 with glycine.
Molecular consequence: missense variant.
Genome position (GRCh38, 1-based): chr9:85,020,263, A>G. VCF-style: chr9-85020263-A-G. GRCh37 (hg19) VCF-style: chr9-87635178-A-G.
Other names: c.2182A>G, p.Arg728Gly (NM_001018064.3, NM_001369532.1, NM_001369533.1); c.2146A>G, p.Arg716Gly (NM_001369534.1); c.1714A>G, p.Arg572Gly (NM_001369535.1); c.1762A>G, p.Arg588Gly (NM_001369536.1); short protein forms R744G, R572G, R588G, R716G, R728G.
Identifiers: ClinVar variation 4993190 (VCV004993190.1).